The following is an entry in ClinVar:

ClinVar aggregate classification (germline): Benign/Likely benign. Review status: criteria provided, multiple submitters, no conflicts (2 of 4 stars). 10 submissions from 10 submitters: Benign (6); Likely benign (3). 1 of the submissions does not count toward it. Last evaluated 2026-02-04.

Conditions:
POLG-related disorder. Also called: POLG-Related Spectrum Disorders; POLG-related condition; POLG-Related Disorders. Identifiers: MedGen C4763519.
Inborn genetic diseases. Identifiers: MedGen C0950123, MeSH D030342.
Progressive sclerosing poliodystrophy (MTDPS4A). Also called: ALPERS DIFFUSE DEGENERATION OF CEREBRAL GRAY MATTER WITH HEPATIC CIRRHOSIS; Alpers-Huttenlocher Syndrome; Alpers Syndrome; Mitochondrial DNA depletion syndrome 4A (Alpers type); NEURONAL DEGENERATION OF CHILDHOOD WITH LIVER DISEASE, PROGRESSIVE; Mitochondrial DNA Depletion Syndrome 4A. Identifiers: Orphanet 726, MedGen C0205710, MONDO:0008758, OMIM 203700.
Mitochondrial DNA depletion syndrome 4b. Also called: MNGIE, POLG-RELATED; Mitochondrial Neurogastrointestinal Encephalopathy Disease, POLG-Related. Identifiers: Orphanet 298, MedGen C3150914, MONDO:0013350, OMIM 613662.
Progressive external ophthalmoplegia with mitochondrial DNA deletions, autosomal dominant 1 (PEOA1). Also called: PROGRESSIVE EXTERNAL OPHTHALMOPLEGIA, AUTOSOMAL DOMINANT 1; Autosomal Dominant Progressive External Ophthalmoplegia (adPEO). Identifiers: MedGen C1834846, MONDO:0024528, OMIM 157640.
Progressive external ophthalmoplegia with mitochondrial DNA deletions, autosomal recessive 1 (PEOB1). Also called: Autosomal Recessive Progressive External Ophthalmoplegia (arPEO); Progressive external ophthalmoplegia, autosomal recessive 1. Identifiers: Orphanet 254886, MedGen C4225153, MONDO:0009783, OMIM 258450.
Mitochondrial DNA depletion syndrome 1. Also called: Mitochondrial neurogastrointestinal encephalomyopathy syndrome; Mitochondrial Neurogastrointestinal Encephalopathy Disease; MITOCHONDRIAL NEUROGASTROINTESTINAL ENCEPHALOPATHY SYNDROME, TYMP-RELATED; MNGIE, TYMP-RELATED; Mitochondrial DNA Depletion Syndrome, MNGIE Form; POLIP SYNDROME. Identifiers: Orphanet 298, MedGen C4551995, MONDO:0011283, OMIM 603041.
Sensory ataxic neuropathy, dysarthria, and ophthalmoparesis (SANDO). Also called: Ataxia Neuropathy Spectrum (ANS); Sensory ataxic neuropathy-dysarthria-ophthalmoparesis syndrome; SENSORY ATAXIC NEUROPATHY WITH MITOCHONDRIAL DNA DELETIONS, AUTOSOMAL RECESSIVE; Epilepsy, progressive myoclonic, type 5. Identifiers: Orphanet 70595, MedGen C1843851, MONDO:0011835, OMIM 607459.

Allele frequency attached by ClinVar (database versions not stated): 1000 Genomes Project 0.00958; 1000 Genomes Project 30x 0.00968; ESP Exome Variant Server 0.00992; TOPMed 0.01073; gnomAD 0.00845.
gnomAD v4.1: 3,256 of 1,614,044 alleles (0.2%); highest among the groups gnomAD compares: African/African-American, 3.4%; 50 homozygotes.

Submissions (10):

Labcorp Genetics (formerly Invitae), Labcorp
Classification: Benign for Progressive sclerosing poliodystrophy. Last evaluated: 2026-02-04. Review status: criteria provided, single submitter. Criteria: Invitae Variant Classification Sherloc (09022015). Collection method: clinical testing. Allele origin: germline.

Athena Diagnostics
Classification: Benign. Last evaluated: 2023-11-21. Review status: criteria provided, single submitter. Criteria: Athena Diagnostics Criteria. Collection method: clinical testing. Allele origin: unknown.

Mayo Clinic Laboratories, Mayo Clinic
Classification: Benign. Last evaluated: 2022-08-05. Review status: criteria provided, single submitter. Criteria: ACMG Guidelines, 2015. Collection method: clinical testing. Allele origin: germline. Observed: 53 variant alleles.

Fulgent Genetics
Classification: Likely benign for Progressive external ophthalmoplegia with mitochondrial DNA deletions, autosomal dominant 1; Progressive sclerosing poliodystrophy; Progressive external ophthalmoplegia with mitochondrial DNA deletions, autosomal recessive 1; Mitochondrial DNA depletion syndrome 1; Sensory ataxic neuropathy, dysarthria, and ophthalmoparesis; Mitochondrial DNA depletion syndrome 4b. Last evaluated: 2021-10-05. Review status: criteria provided, single submitter. Criteria: ACMG Guidelines, 2015. Collection method: clinical testing. Allele origin: unknown.

Wong Mito Lab, Molecular and Human Genetics, Baylor College of Medicine
Classification: Benign for Progressive sclerosing poliodystrophy. Last evaluated: 2018-10-01. Review status: criteria provided, single submitter. Criteria: ACMG Guidelines, 2015. Collection method: clinical testing. Allele origin: germline.
Comment: The NM_002693.2:c.2109C>A (NP_002684.1:p.Ala703=) [GRCH38: NC_000015.10:g.89323863G>T] variant in POLG gene is interpretated to be a Benign based on ACMG guidelines (PMID: 25741868). This variant meets the following evidence codes reported in the ACMG-guideline. BS1:The minor allele frequency of this allele is high for Mitochondrial DNA depletion syndrome 4A (Alpers type). BS2:Observation of the variant in controls is inconsistent with penetrance of Mitochondrial DNA depletion syndrome 4A (Alpers type). BP4:Computational evidence/predictors indicate no impact on the POLG structure, function, or protein-protein interaction. Based on the evidence criteria codes applied, the variant is suggested to be Benign.

Illumina Laboratory Services, Illumina
Classification: Likely benign for POLG-Related Spectrum Disorders. Last evaluated: 2017-04-27. Review status: criteria provided, single submitter. Criteria: ICSL Variant Classification Criteria 13 December 2019. Collection method: clinical testing. Allele origin: germline.
Comment: This variant was observed as part of a predisposition screen in an ostensibly healthy population. A literature search was performed for the gene, cDNA change, and amino acid change (where applicable). Publications were found based on this search. The evidence from the literature, in combination with allele frequency data from public databases where available, was sufficient to determine this variant is unlikely to cause disease. Therefore, this variant is classified as likely benign.

Ambry Genetics
Classification: Benign for Inborn genetic diseases. Last evaluated: 2016-10-03. Review status: criteria provided, single submitter. Criteria: Ambry Variant Classification Scheme 2023. Collection method: clinical testing. Allele origin: germline.

GeneDx
Classification: Benign. Last evaluated: 2012-04-09. Review status: criteria provided, single submitter. Criteria: GeneDx Variant Classification (06012015). Collection method: clinical testing. Allele origin: germline. Affected: yes.
Comment: This variant is considered likely benign or benign based on one or more of the following criteria: it is a conservative change, it occurs at a poorly conserved position in the protein, it is predicted to be benign by multiple in silico algorithms, and/or has population frequency not consistent with disease.

Breakthrough Genomics
Classification: Likely benign. Review status: criteria provided, single submitter. Criteria: ACMG Guidelines, 2015. Collection method: not provided. Allele origin: germline. Inheritance: Autosomal recessive inheritance. Affected: yes.

Genetic Services Laboratory, University of Chicago
Classification: Likely benign for AllHighlyPenetrant. Review status: no assertion criteria provided. Collection method: clinical testing. Allele origin: germline. Inheritance: Autosomal recessive inheritance. Not counted in ClinVar's aggregate classification.
Comment: Likely benign based on allele frequency in 1000 Genomes Project or ESP global frequency and its presence in a patient with a rare or unrelated disease phenotype. NOT Sanger confirmed.

Literature cited by the submitters: PubMed 19629138 (cited by Athena Diagnostics and Illumina Laboratory Services, Illumina).

NM_002693.3(POLG):c.2109C>A (p.Ala703=)

Gene: POLG (DNA polymerase gamma, catalytic subunit; minus strand). Cytogenetic location: 15q26.1.
Variant type: single nucleotide variant.
Coding change: c.2109C>A on transcript NM_002693.3 (MANE Select); coding-DNA position 2109, C replaced by A.
Protein change: p.Ala703=; no amino-acid change (alanine 703 retained).
Molecular consequence: synonymous variant.
Genome position (GRCh38, 1-based): chr15:89,323,863, G>T on the plus strand (C>A on the coding strand, the complement: POLG is on the minus strand). VCF-style: chr15-89323863-G-T. GRCh37 (hg19) VCF-style: chr15-89867094-G-T.
Other names: p.A703A:GCC>GCA; p.Ala703=; c.2109C>A, p.Ala703= (NM_001126131.2).
Identifiers: ClinVar variation 129990 (VCV000129990.28), dbSNP rs2307429, ClinGen allele CA288982.